The following is an entry in ClinVar:

ClinVar aggregate classification (germline): Benign/Likely benign. Review status: criteria provided, multiple submitters, no conflicts (2 of 4 stars). 5 submissions from 5 submitters: Benign (2); Likely benign (3). Last evaluated 2026-03-10.

Conditions:
GNB4-related disorder. Also called: GNB4-related condition.
Inborn genetic diseases. Identifiers: MedGen C0950123, MeSH D030342.
Charcot-Marie-Tooth disease dominant intermediate F. Identifiers: Orphanet 352670, MedGen C4749463, MONDO:0014074, OMIM 615185.

Allele frequency attached by ClinVar (database versions not stated): gnomAD exomes 0.00013; ExAC 0.00017; 1000 Genomes Project 30x 0.00031; 1000 Genomes Project 0.00040; gnomAD 0.00055 and 0.00061; TOPMed 0.00063; ESP Exome Variant Server 0.00100.
gnomAD v4.1: 153 of 1,613,838 alleles (0.0095%); highest among the groups gnomAD compares: African/African-American, 0.17%; no homozygotes.

Submissions (5):

PreventionGenetics, part of Exact Sciences
Classification: Likely benign for GNB4-related condition. Last evaluated: 2026-03-10. Review status: criteria provided, single submitter. Criteria: ACMG Guidelines, 2015. Collection method: clinical testing. Allele origin: germline.
Comment: This variant is classified as likely benign based on ACMG/AMP sequence variant interpretation guidelines (Richards et al. 2015 PMID: 25741868, with internal and published modifications).

Labcorp Genetics (formerly Invitae), Labcorp
Classification: Likely benign for Charcot-Marie-Tooth disease dominant intermediate F. Last evaluated: 2025-07-14. Review status: criteria provided, single submitter. Criteria: Invitae Variant Classification Sherloc (09022015). Collection method: clinical testing. Allele origin: germline.

CeGaT Center for Human Genetics Tuebingen
Classification: Benign. Last evaluated: 2022-07-01. Review status: criteria provided, single submitter. Criteria: CeGaT Center For Human Genetics Tuebingen Variant Classification Criteria Version 2. Collection method: clinical testing. Allele origin: germline. Affected: yes. Observed: 1 variant allele.
Comment: GNB4: BS1, BS2

Ambry Genetics
Classification: Likely benign for Inborn genetic diseases. Last evaluated: 2020-12-16. Review status: criteria provided, single submitter. Criteria: Ambry Variant Classification Scheme 2023. Collection method: clinical testing. Allele origin: germline.

GeneDx
Classification: Benign. Last evaluated: 2020-12-10. Review status: criteria provided, single submitter. Criteria: GeneDx Variant Classification Process June 2021. Collection method: clinical testing. Allele origin: germline. Affected: yes.

NM_021629.4(GNB4):c.668C>T (p.Thr223Met)

Gene: GNB4 (G protein subunit beta 4; minus strand). Cytogenetic location: 3q26.33.
Variant type: single nucleotide variant.
Coding change: c.668C>T on transcript NM_021629.4 (MANE Select); coding-DNA position 668, C replaced by T.
Protein change: p.Thr223Met; replaces threonine 223 with methionine.
Molecular consequence: missense variant.
Genome position (GRCh38, 1-based): chr3:179,413,443, G>A on the plus strand (C>T on the coding strand, the complement: GNB4 is on the minus strand). VCF-style: chr3-179413443-G-A. GRCh37 (hg19) VCF-style: chr3-179131231-G-A.
Other names: short protein forms T223M.
Identifiers: ClinVar variation 697879 (VCV000697879.39), dbSNP rs144385061, ClinGen allele CA2712448.